The following is an entry in ClinVar:

NM_002227.4(JAK1):c.44T>C (p.Phe15Ser)

Gene: JAK1 (Janus kinase 1; minus strand). Cytogenetic location: 1p31.3.
Variant type: single nucleotide variant.
Coding change: c.44T>C on transcript NM_002227.4 (MANE Select); coding-DNA position 44, T replaced by C.
Protein change: p.Phe15Ser; replaces phenylalanine 15 with serine.
Molecular consequence: missense variant.
Genome position (GRCh38, 1-based): chr1:64,883,438, A>G on the plus strand (T>C on the coding strand, the complement: JAK1 is on the minus strand). VCF-style: chr1-64883438-A-G. GRCh37 (hg19) VCF-style: chr1-65349121-A-G.
Other names: c.44T>C, p.Phe15Ser (NM_001320923.2, NM_001321852.2, NM_001321853.2 and 4 more transcripts); short protein forms F15S.
Identifiers: ClinVar variation 2986669 (VCV002986669.3), dbSNP rs766817040, ClinGen allele CA893251.

ClinVar aggregate classification (germline): Uncertain significance (1 of 4 stars; one submission).

Allele frequency attached by ClinVar (database versions not stated): ExAC 0.00001; gnomAD 0.00002; TOPMed 0.00002.
gnomAD v4.1: 3 of 1,614,046 alleles (0.00019%); highest among the groups gnomAD compares: African/African-American, 0.004%; no homozygotes.

Submission:

Labcorp Genetics (formerly Invitae), Labcorp
Classification: Uncertain significance. Last evaluated: 2024-03-14. Review status: criteria provided, single submitter. Criteria: Invitae Variant Classification Sherloc (09022015). Collection method: clinical testing. Allele origin: germline.
Comment: This sequence change replaces phenylalanine, which is neutral and non-polar, with serine, which is neutral and polar, at codon 15 of the JAK1 protein (p.Phe15Ser). This variant is present in population databases (rs766817040, gnomAD 0.01%). This variant has not been reported in the literature in individuals affected with JAK1-related conditions. An algorithm developed to predict the effect of missense changes on protein structure and function (PolyPhen-2) suggests that this variant is likely to be disruptive. In summary, the available evidence is currently insufficient to determine the role of this variant in disease. Therefore, it has been classified as a Variant of Uncertain Significance.